The following is an entry in ClinVar:

NM_003114.5(SPAG1):c.1864dup (p.Thr622fs)

Gene: SPAG1 (sperm associated antigen 1; plus strand). Cytogenetic location: 8q22.2.
Variant type: Duplication.
Coding change: c.1864dup on transcript NM_003114.5 (MANE Select); coding-DNA position 1864, one base duplicated (A; older notation c.1864dupA).
Protein change: p.Thr622fs; shifts the reading frame from threonine 622.
Molecular consequence: frameshift variant.
Genome position (GRCh38, 1-based): chr8:100,231,164, A duplicated; the last of 6 consecutive A bases (chr8:100,231,159-100,231,164); duplicating any one gives the same sequence. VCF-style (leftmost placement, unchanged base first): chr8-100231158-G-GA. GRCh37 (hg19) VCF-style: chr8-101243386-G-GA.
Other names: c.1864dup (NM_003114.4); c.1864dup, p.Thr622fs (NM_001374321.1, NM_172218.3); c.1864dupA (NM_172218.2); short protein forms T622fs.
Identifiers: ClinVar variation 541532 (VCV000541532.7), dbSNP rs1380083184, ClinGen allele CA658797131.

ClinVar aggregate classification (germline): Pathogenic/Likely pathogenic. Review status: criteria provided, multiple submitters, no conflicts (2 of 4 stars). 2 submissions from 2 submitters: Pathogenic (1); Likely pathogenic (1). Last evaluated 2025-03-10.

Conditions:
Primary ciliary dyskinesia. Also called: Ciliary dyskinesia. Identifiers: Orphanet 244, MedGen C0008780, MONDO:0016575, HP:0012265.
Primary ciliary dyskinesia 28. Also called: CILIARY DYSKINESIA, PRIMARY, 28, WITH OR WITHOUT SITUS INVERSUS. Identifiers: Orphanet 244, MedGen C3809706, MONDO:0014216, OMIM 615505.

Submissions (2):

Labcorp Genetics (formerly Invitae), Labcorp
Classification: Pathogenic for Primary ciliary dyskinesia 28. Last evaluated: 2025-03-10. Review status: criteria provided, single submitter. Criteria: Invitae Variant Classification Sherloc (09022015). Collection method: clinical testing. Allele origin: germline.
Comment: This sequence change creates a premature translational stop signal (p.Thr622Asnfs*3) in the SPAG1 gene. It is expected to result in an absent or disrupted protein product. Loss-of-function variants in SPAG1 are known to be pathogenic (PMID: 24055112). This variant is not present in population databases (gnomAD no frequency). This variant has not been reported in the literature in individuals affected with SPAG1-related conditions. ClinVar contains an entry for this variant (Variation ID: 541532). For these reasons, this variant has been classified as Pathogenic.

Molecular Genetics McLendon Clinical Laboratories, University of North Carolina at Chapel Hill
Classification: Likely pathogenic for Primary ciliary dyskinesia. Last evaluated: 2024-07-30. Review status: criteria provided, single submitter. Criteria: ACMG Guidelines, 2015. Collection method: clinical testing. Allele origin: germline.

Literature cited by the submitters: PubMed 24055112 (cited by Labcorp Genetics (formerly Invitae), Labcorp).